The following is an entry in ClinVar:

NM_000135.4(FANCA):c.1073T>G (p.Leu358Arg)

Gene: FANCA (FA complementation group A; minus strand). Cytogenetic location: 16q24.3.
Variant type: single nucleotide variant.
Coding change: c.1073T>G on transcript NM_000135.4 (MANE Select); coding-DNA position 1073, T replaced by G.
Protein change: p.Leu358Arg; replaces leucine 358 with arginine.
Molecular consequence: missense variant.
Genome position (GRCh38, 1-based): chr16:89,792,481, A>C on the plus strand (T>G on the coding strand, the complement: FANCA is on the minus strand). VCF-style: chr16-89792481-A-C. GRCh37 (hg19) VCF-style: chr16-89858889-A-C.
Other names: c.1073T>G, p.Leu358Arg (NM_001286167.3); short protein forms L358R.
Identifiers: ClinVar variation 974310 (VCV000974310.1), dbSNP rs1045404649, ClinGen allele CA286594069.

ClinVar aggregate classification (germline): Pathogenic (0 of 4 stars; one submission).

Conditions:
Fanconi anemia complementation group A (FANCA). Also called: Fanconi anemia, group A; FANCA-Related Fanconi Anemia. Identifiers: Orphanet 84, MedGen C3469521, MONDO:0009215, OMIM 227650.

Allele frequency attached by ClinVar (database versions not stated): gnomAD exomes below 0.00001; TOPMed below 0.00001; gnomAD 0.00001.
gnomAD v4.1: 1 of 1,613,214 alleles (0.000062%); highest among the groups gnomAD compares: Non-Finnish European, 0.000085%; no homozygotes.

Submission:

Leiden Open Variation Database
Classification: Pathogenic for Fanconi anemia complementation group A. Last evaluated: 2020-02-28. Review status: no assertion criteria provided. Collection method: curation. Allele origin: germline. Affected: yes.
Comment: Curator: Arleen D. Auerbach. Submitter to LOVD: Arleen D. Auerbach.